The following is an entry in ClinVar:

NM_000807.4(GABRA2):c.187+17081A>C

Gene: GABRA2 (gamma-aminobutyric acid type A receptor subunit alpha2; minus strand). Cytogenetic location: 4p12.
Variant type: single nucleotide variant.
Coding change: c.187+17081A>C on transcript NM_000807.4 (MANE Select); 17081 bases into the intron after coding-DNA position 187, A replaced by C.
Molecular consequence: intron variant.
Genome position (GRCh38, 1-based): chr4:46,368,993, T>G on the plus strand (A>C on the coding strand, the complement: GABRA2 is on the minus strand). VCF-style: chr4-46368993-T-G. GRCh37 (hg19) VCF-style: chr4-46371010-T-G.
Other names: c.90+17081A>C (NM_001377154.1, NM_001377152.1, NM_001286827.3 and 1 more transcripts); c.187+17081A>C (NM_001377146.1, NM_001377145.1, NM_001377144.1 and 8 more transcripts).
Identifiers: ClinVar variation 4871979 (VCV004871979.2).
Genomic context (GRCh38, chr4:46,368,993, plus strand): 5'-GCATTTGAGTTTGGGTCCCTTTGTTCTGGCTCTTGAAGGCTATGTTACACAGACTGGAGA[T>G]TCCACTCTGGAAACTGGGAAAGAAGAAAGCTATTAAAGATGCTGAGCAAAATAATTACAT-3'

ClinVar aggregate classification (germline): Likely benign (1 of 4 stars; one submission).

gnomAD v4.1: 212 of 700,720 alleles (0.03%); highest among the groups gnomAD compares: Middle Eastern, 0.46%; no homozygotes.

Submission:

CeGaT Center for Human Genetics Tuebingen
Classification: Likely benign. Last evaluated: 2026-07-01. Review status: criteria provided, single submitter. Criteria: CeGaT Center For Human Genetics Tuebingen Variant Classification Criteria Version 2. Collection method: clinical testing. Allele origin: germline. Affected: yes. Observed: 2 variant alleles.
Comment: GABRA2: PP2, BP4, BS1